The following is an entry in ClinVar:

ClinVar aggregate classification (germline): Conflicting classifications of pathogenicity. Review status: criteria provided, conflicting classifications (1 of 4 stars). 7 submissions from 7 submitters: Uncertain significance (3); Benign (1); Likely benign (3). Last evaluated 2026-06-01.

Conditions:
Collagen 6-related myopathy. Identifiers: MedGen CN117976, MONDO:0100225.
Bethlem myopathy 1A. Also called: Bethlem myopathy 1; MYOPATHY, BENIGN CONGENITAL, WITH CONTRACTURES; Bethlem Muscular Dystrophy. Identifiers: Orphanet 610, MedGen CN029274, MONDO:0024530, OMIM 158810.

Allele frequency attached by ClinVar (database versions not stated): gnomAD exomes 0.00028 and 0.00056; ExAC 0.00029; gnomAD 0.00029; TOPMed 0.00029; 1000 Genomes Project 30x 0.00031; 1000 Genomes Project 0.00040; ESP Exome Variant Server 0.00062.
gnomAD v4.1: 844 of 1,612,892 alleles (0.052%); highest among the groups gnomAD compares: Non-Finnish European, 0.068%; no homozygotes.

Submissions (8):

CeGaT Center for Human Genetics Tuebingen
Classification: Uncertain significance. Last evaluated: 2026-06-01. Review status: criteria provided, single submitter. Criteria: CeGaT Center For Human Genetics Tuebingen Variant Classification Criteria Version 2. Collection method: clinical testing. Allele origin: germline. Affected: yes. Observed: 2 variant alleles.
Comment: COL6A1: PM2, BP4

Labcorp Genetics (formerly Invitae), Labcorp
Classification: Uncertain significance for Bethlem myopathy 1A. Last evaluated: 2026-02-01. Review status: criteria provided, single submitter. Criteria: Invitae Variant Classification Sherloc (09022015). Collection method: clinical testing. Allele origin: germline.
Comment: This sequence change falls in intron 20 of the COL6A1 gene. It does not directly change the encoded amino acid sequence of the COL6A1 protein. It affects a nucleotide within the consensus splice site. This variant is present in population databases (rs200095847, gnomAD 0.05%). This variant has been observed in individual(s) with limb-girdle muscular dystrophy (PMID: 30564623). ClinVar contains an entry for this variant (Variation ID: 281741). Variants that disrupt the consensus splice site are a relatively common cause of aberrant splicing (PMID: 17576681, 9536098). Algorithms developed to predict the effect of sequence changes on RNA splicing suggest that this variant is not likely to affect RNA splicing. In summary, the available evidence is currently insufficient to determine the role of this variant in disease. Therefore, it has been classified as a Variant of Uncertain Significance.

Women's Health and Genetics/Laboratory Corporation of America, LabCorp
Classification: Likely benign. Last evaluated: 2024-06-12. Review status: criteria provided, single submitter. Criteria: LabCorp Variant Classification Summary - May 2015. Collection method: clinical testing. Allele origin: germline.
Comment: Variant summary: COL6A1 c.1399-3C>T alters a conserved nucleotide located close to a canonical splice site and therefore could affect mRNA splicing, leading to a significantly altered protein sequence. Consensus agreement among computation tools predict no significant impact on normal splicing. However, these predictions have yet to be confirmed by functional studies. The variant allele was found at a frequency of 0.00052 in 1612892 control chromosomes. The observed variant frequency is approximately 1100-fold of the estimated maximal expected allele frequency for a pathogenic variant in COL6A1 causing Collagen Type VI-Related Disorders phenotype (4.8e-07). c.1399-3C>T has been reported in the literature in a setting of multi-gene panel testing as a VUS in two heterozygous individuals affected with limb-girdle muscular dystrohy without reported second variant and without evidence of causality (e.g. Nallamilli_2018). This report does not provide unequivocal conclusions about association of the variant with Collagen Type VI-Related Disorders. To our knowledge, no experimental evidence demonstrating an impact on protein function has been reported. The following publication has been ascertained in the context of this evaluation (PMID: 30564623). ClinVar contains an entry for this variant (Variation ID: 281741). Based on the evidence outlined above, the variant was classified as likely benign.

Revvity Omics, Revvity
Classification: Likely benign. Last evaluated: 2023-05-01. Review status: criteria provided, single submitter. Criteria: ACMG Guidelines, 2015. Collection method: clinical testing. Allele origin: germline.

GeneDx
Classification: Likely benign. Last evaluated: 2020-12-18. Review status: criteria provided, single submitter. Criteria: GeneDx Variant Classification Process June 2021. Collection method: clinical testing. Allele origin: germline. Affected: yes.
Comment: This variant is associated with the following publications: (PMID: 30564623)

Illumina Laboratory Services, Illumina
Classification: Benign for Collagen VI-related myopathy. Last evaluated: 2018-01-13. Review status: criteria provided, single submitter. Criteria: ICSL Variant Classification Criteria 13 December 2019. Collection method: clinical testing. Allele origin: germline.
Comment: This variant was observed in the ICSL laboratory as part of a predisposition screen in an ostensibly healthy population. It had not been previously curated by ICSL or reported in the Human Gene Mutation Database (HGMD: prior to June 1st, 2018), and was therefore a candidate for classification through an automated scoring system. Utilizing variant allele frequency, disease prevalence and penetrance estimates, and inheritance mode, an automated score was calculated to assess if this variant is too frequent to cause the disease. Based on the score and internal cut-off values, a variant classified as benign is not then subjected to further curation. The score for this variant resulted in a classification of benign for this disease.

Eurofins Ntd Llc (ga)
Classification: Uncertain significance. Last evaluated: 2015-06-24. Review status: criteria provided, single submitter. Criteria: EGL Classification Definitions 2015. Collection method: clinical testing. Allele origin: germline. Observed: 4 variant alleles, 4 heterozygotes.

Dr. Peter K. Rogan Lab, Western University
No classification provided (evidence only). Condition: Sarcoma. Review status: no classification provided. Collection method: in vitro. Allele origin: not applicable. Functional consequence: retained intron. Not counted in ClinVar's aggregate classification.

Literature cited by the submitters: PubMed 30564623 (cited by Labcorp Genetics (formerly Invitae), Labcorp and Women's Health and Genetics/Laboratory Corporation of America, LabCorp); PubMed 17576681 (cited by Labcorp Genetics (formerly Invitae), Labcorp); PubMed 9536098 (cited by Labcorp Genetics (formerly Invitae), Labcorp).

NM_001848.3(COL6A1):c.1399-3C>T

Gene: COL6A1 (collagen type VI alpha 1 chain; plus strand). Cytogenetic location: 21q22.3.
Variant type: single nucleotide variant.
Coding change: c.1399-3C>T on transcript NM_001848.3 (MANE Select); 3 bases into the intron before coding-DNA position 1399, C replaced by T.
Molecular consequence: intron variant.
Genome position (GRCh38, 1-based): chr21:45,997,418, C>T. VCF-style: chr21-45997418-C-T. GRCh37 (hg19) VCF-style: chr21-47417332-C-T.
Identifiers: ClinVar variation 281741 (VCV000281741.25), dbSNP rs200095847, ClinGen allele CA10070292.
Genomic context (GRCh38, chr21:45,997,418, plus strand): 5'-GTCAGGGAGGGCTCAGGCTGGGTGAGGCCTGTGGTCCAACGTGCCATATCCATCTCTCTA[C>T]AGGGCGAGGCTGGCCCTATCGGACCTAAAGGCTACCGAGGCGATGAGGGTCCCCCAGGGT-3'